The following is an entry in ClinVar:

ClinVar aggregate classification (germline): Uncertain significance. Review status: criteria provided, multiple submitters, no conflicts (2 of 4 stars). 2 submissions from 2 submitters: Uncertain significance (2). Last evaluated 2025-12-15.

Submissions (2):

Labcorp Genetics (formerly Invitae), Labcorp
Classification: Uncertain significance. Last evaluated: 2025-12-15. Review status: criteria provided, single submitter. Criteria: Invitae Variant Classification Sherloc (09022015). Collection method: clinical testing. Allele origin: germline.
Comment: This sequence change replaces glutamine, which is neutral and polar, with arginine, which is basic and polar, at codon 706 of the MYO7A protein (p.Gln706Arg). This variant is present in population databases (rs782417429, gnomAD 0.006%). This variant has not been reported in the literature in individuals affected with MYO7A-related conditions. Invitae Evidence Modeling of protein sequence and biophysical properties (such as structural, functional, and spatial information, amino acid conservation, physicochemical variation, residue mobility, and thermodynamic stability) indicates that this missense variant is not expected to disrupt MYO7A protein function with a negative predictive value of 95%. In summary, the available evidence is currently insufficient to determine the role of this variant in disease. Therefore, it has been classified as a Variant of Uncertain Significance.

Blueprint Genetics
Classification: Uncertain significance. Last evaluated: 2019-06-18. Review status: criteria provided, single submitter. Criteria: ACMG Guidelines, 2015. Collection method: clinical testing. Allele origin: germline.

NM_000260.4(MYO7A):c.2117A>G (p.Gln706Arg)

Gene: MYO7A (myosin VIIA; plus strand). Cytogenetic location: 11q13.5.
Variant type: single nucleotide variant.
Coding change: c.2117A>G on transcript NM_000260.4 (MANE Select); coding-DNA position 2117, A replaced by G.
Protein change: p.Gln706Arg; replaces glutamine 706 with arginine.
Molecular consequence: missense variant.
Genome position (GRCh38, 1-based): chr11:77,175,394, A>G. VCF-style: chr11-77175394-A-G. GRCh37 (hg19) VCF-style: chr11-76886440-A-G.
Other names: c.2117A>G, p.Gln706Arg (NM_001127180.2); c.2084A>G, p.Gln695Arg (NM_001369365.1); short protein forms Q695R, Q706R.
Identifiers: ClinVar variation 4691105 (VCV004691105.2).